The following is an entry in ClinVar:

ClinVar aggregate classification (germline): Conflicting classifications of pathogenicity. Review status: criteria provided, conflicting classifications (1 of 4 stars). 8 submissions from 8 submitters: Uncertain significance (6); Likely benign (1). 1 of the submissions does not count toward it. Last evaluated 2026-06-05.

Conditions:
Galactosylceramide beta-galactosidase deficiency. Also called: Leukodystrophy, Globoid Cell; GALACTOCEREBROSIDASE DEFICIENCY; GALC DEFICIENCY; GLOBOID CELL LEUKOENCEPHALOPATHY; Krabbe Disease. Identifiers: Orphanet 487, MedGen C0023521, MONDO:0009499, OMIM 245200.
GALC-related disorder. Also called: GALC-related condition.

Allele frequency attached by ClinVar (database versions not stated): 1000 Genomes Project 0.00020; 1000 Genomes Project 30x 0.00062; gnomAD 0.00070; TOPMed 0.00091.
gnomAD v4.1: 2,377 of 1,546,472 alleles (0.15%); highest among the groups gnomAD compares: Non-Finnish European, 0.19%; 2 homozygotes.

Submissions (8):

PreventionGenetics, part of Exact Sciences
Classification: Uncertain significance for GALC-related condition. Last evaluated: 2026-06-05. Review status: criteria provided, single submitter. Criteria: ACMG Guidelines, 2015. Collection method: clinical testing. Allele origin: germline.
Comment: The GALC c.117+152T>G variant is predicted to interfere with splicing. This variant is also known as c.117+152T>G in an alternate transcript (NM_001201402). This variant is predicted to not affect splicing based on available splicing prediction programs (SpliceAI, Jaganathan et al. 2019. PubMed ID: 30661751; Alamut Visual v1.6.1). However, the use of computer prediction programs is not equivalent to functional evidence. This variant was seen in an infant with low GALC enzyme activity (c.-67T>G in Table S5, Orsini et al. 2016. PubMed ID: 26795590). This variant was 0.11% of alleles in individuals of European (Non-Finnish) descent in gnomAD v2 (as displayed in the table above). However, in gnomAD v4 (available only on GRCh38), this variant is reported in 0.19% of alleles in a European (Non-Finnish) subpopulation, including 2 homozygote(s). This population data is not consistent with this variant being a primary cause of disease. Although we suspect that this variant may be benign, at this time, the clinical significance of this variant is uncertain due to the absence of conclusive functional and genetic evidence.

Women's Health and Genetics/Laboratory Corporation of America, LabCorp
Classification: Uncertain significance. Last evaluated: 2025-04-02. Review status: criteria provided, single submitter. Criteria: LabCorp Variant Classification Summary - May 2015. Collection method: clinical testing. Allele origin: germline.
Comment: Variant summary: GALC c.-67T>G is located in the untranscribed region upstream of the GALC gene region. The variant allele was found at a frequency of 0.0015 in 1546472 control chromosomes in the gnomAD database, including 2 homozygotes. This frequency is not significantly higher than estimated for a pathogenic variant in GALC causing Galactosylceramide beta-galactosidase deficiency (0.0015 vs 0.0035), allowing no conclusion about variant significance. c.-67T>G has been reported in the literature in an infant with low GALC enzyme activity detected by newborn screening (Orsini_2016). This report does not provide unequivocal conclusions about association of the variant with Galactosylceramide beta-galactosidase deficiency. To our knowledge, no experimental evidence demonstrating an impact on protein function has been reported. The following publication has been ascertained in the context of this evaluation (PMID: 26795590). ClinVar contains an entry for this variant (Variation ID: 314768). Based on the evidence outlined above, the variant was classified as uncertain significance.

Revvity Omics, Revvity
Classification: Uncertain significance. Last evaluated: 2024-08-30. Review status: criteria provided, single submitter. Criteria: ACMG Guidelines, 2015. Collection method: clinical testing. Allele origin: germline.

Labcorp Genetics (formerly Invitae), Labcorp
Classification: Likely benign for Galactosylceramide beta-galactosidase deficiency. Last evaluated: 2023-09-27. Review status: criteria provided, single submitter. Criteria: Invitae Variant Classification Sherloc (09022015). Collection method: clinical testing. Allele origin: germline.

Mayo Clinic Laboratories, Mayo Clinic
Classification: Uncertain significance. Last evaluated: 2023-07-25. Review status: criteria provided, single submitter. Criteria: ACMG Guidelines, 2015. Collection method: clinical testing. Allele origin: germline. Observed: 5 variant alleles.
Comment: BP4

GeneDx
Classification: Uncertain significance. Last evaluated: 2023-07-11. Review status: criteria provided, single submitter. Criteria: GeneDx Variant Classification Process June 2021. Collection method: clinical testing. Allele origin: germline. Affected: yes.
Comment: Reported previously in 1/348 infants with low GALC enzyme activity obtain by newborn screening; further information is unavailable (PMID: 26795590); Nucleotide substitution has no predicted effect on splicing and is not conserved across species; This variant is associated with the following publications: (PMID: 26795590, 34426522)

Illumina Laboratory Services, Illumina
Classification: Uncertain significance for Galactosylceramide beta-galactosidase deficiency. Last evaluated: 2018-01-13. Review status: criteria provided, single submitter. Criteria: ICSL Variant Classification Criteria 13 December 2019. Collection method: clinical testing. Allele origin: germline.

Natera, Inc.
Classification: Uncertain significance for Galactosylceramide beta-galactosidase deficiency. Last evaluated: 2020-04-03. Review status: no assertion criteria provided. Collection method: clinical testing. Allele origin: germline. Not counted in ClinVar's aggregate classification.

Literature cited by the submitters: PubMed 26795590 (cited by Women's Health and Genetics/Laboratory Corporation of America, LabCorp and Mayo Clinic Laboratories, Mayo Clinic); PubMed 34426522 (cited by Mayo Clinic Laboratories, Mayo Clinic).

NM_000153.4(GALC):c.-67T>G

Gene: GALC (galactosylceramidase; minus strand). Cytogenetic location: 14q31.3.
Variant type: single nucleotide variant.
Coding change: c.-67T>G on transcript NM_000153.4 (MANE Select); 67 bases upstream of the start codon, T replaced by G.
Molecular consequence: genic upstream transcript variant. On other transcripts: intron variant (1).
Genome position (GRCh38, 1-based): chr14:87,993,231, A>C on the plus strand (T>G on the coding strand, the complement: GALC is on the minus strand). VCF-style: chr14-87993231-A-C. GRCh37 (hg19) VCF-style: chr14-88459575-A-C.
Other names: c.117+152T>G (NM_001201402.1, NM_001201402.2).
Identifiers: ClinVar variation 314768 (VCV000314768.23), dbSNP rs571945132, ClinGen allele CA10646480.